The following is an entry in ClinVar:

NM_015570.4(AUTS2):c.1671G>A (p.Pro557=)

Gene: AUTS2 (activator of transcription and developmental regulator AUTS2; plus strand). Cytogenetic location: 7q11.22.
Variant type: single nucleotide variant.
Coding change: c.1671G>A on transcript NM_015570.4 (MANE Select); coding-DNA position 1671, G replaced by A.
Protein change: p.Pro557=; no amino-acid change (proline 557 retained).
Molecular consequence: synonymous variant.
Genome position (GRCh38, 1-based): chr7:70,766,316, G>A. VCF-style: chr7-70766316-G-A. GRCh37 (hg19) VCF-style: chr7-70231302-G-A.
Other names: c.1671G>A, p.Pro557= (NM_001127231.3).
Identifiers: ClinVar variation 2143069 (VCV002143069.14), dbSNP rs148457885, ClinGen allele CA4280721.

ClinVar aggregate classification (germline): Likely benign. Review status: criteria provided, multiple submitters, no conflicts (2 of 4 stars). 2 submissions from 2 submitters: Likely benign (2). Last evaluated 2025-05-01.

Allele frequency attached by ClinVar (database versions not stated): ExAC 0.00005; gnomAD exomes 0.00006; gnomAD 0.00007; TOPMed 0.00010; ESP Exome Variant Server 0.00015.
gnomAD v4.1: 93 of 1,613,914 alleles (0.0058%); highest among the groups gnomAD compares: African/African-American, 0.02%; no homozygotes.

Submissions (2):

CeGaT Center for Human Genetics Tuebingen
Classification: Likely benign. Last evaluated: 2025-05-01. Review status: criteria provided, single submitter. Criteria: CeGaT Center For Human Genetics Tuebingen Variant Classification Criteria Version 2. Collection method: clinical testing. Allele origin: germline. Affected: yes. Observed: 1 variant allele.
Comment: AUTS2: BP4, BP7

Labcorp Genetics (formerly Invitae), Labcorp
Classification: Likely benign. Last evaluated: 2025-02-19. Review status: criteria provided, single submitter. Criteria: Invitae Variant Classification Sherloc (09022015). Collection method: clinical testing. Allele origin: germline.